The following is an entry in ClinVar:

ClinVar aggregate classification (germline): Likely benign (0 of 4 stars; one submission).

Conditions:
DNAH17-related disorder. Also called: DNAH17-related condition.

Allele frequency attached by ClinVar (database versions not stated): TOPMed 0.00001; ExAC 0.00002; gnomAD 0.00002.
gnomAD v4.1: 30 of 1,613,636 alleles (0.0019%); highest among the groups gnomAD compares: Middle Eastern, 0.033%; no homozygotes.

Submission:

PreventionGenetics, part of Exact Sciences
Classification: Likely benign for DNAH17-related condition. Last evaluated: 2019-07-10. Review status: no assertion criteria provided. Collection method: clinical testing. Allele origin: germline.
Comment: This variant is classified as likely benign based on ACMG/AMP sequence variant interpretation guidelines (Richards et al. 2015 PMID: 25741868, with internal and published modifications).

NM_173628.4(DNAH17):c.3765C>T (p.Ser1255=)

Gene: DNAH17 (dynein axonemal heavy chain 17; minus strand). Cytogenetic location: 17q25.3.
Variant type: single nucleotide variant.
Coding change: c.3765C>T on transcript NM_173628.4 (MANE Select); coding-DNA position 3765, C replaced by T.
Protein change: p.Ser1255=; no amino-acid change (serine 1255 retained).
Molecular consequence: synonymous variant.
Genome position (GRCh38, 1-based): chr17:78,525,108, G>A on the plus strand (C>T on the coding strand, the complement: DNAH17 is on the minus strand). VCF-style: chr17-78525108-G-A. GRCh37 (hg19) VCF-style: chr17-76521190-G-A.
Identifiers: ClinVar variation 3050731 (VCV003050731.2), dbSNP rs748132996, ClinGen allele CA8804046.